The following is an entry in ClinVar:

ClinVar aggregate classification (germline): Uncertain significance (1 of 4 stars; one submission).

gnomAD v4.1: 2 of 1,606,444 alleles (0.00012%); highest among the groups gnomAD compares: Non-Finnish European, 0.00017%; no homozygotes.

Submission:

Ambry Genetics
Classification: Uncertain significance. Last evaluated: 2026-03-29. Review status: criteria provided, single submitter. Criteria: Ambry Variant Classification Scheme 2023. Collection method: clinical testing. Allele origin: germline.
Comment: The p.P51H variant (also known as c.152C>A), located in coding exon 2 of the GFI1 gene, results from a C to A substitution at nucleotide position 152. The proline at codon 51 is replaced by histidine, an amino acid with similar properties. This amino acid position is conserved. In addition, this alteration is predicted to be tolerated by in silico analysis. Based on the available evidence, the clinical significance of this variant remains unclear.

NM_005263.5(GFI1):c.152C>A (p.Pro51His)

Gene: GFI1 (growth factor independent 1 transcriptional repressor; minus strand). Cytogenetic location: 1p22.1.
Variant type: single nucleotide variant.
Coding change: c.152C>A on transcript NM_005263.5 (MANE Select); coding-DNA position 152, C replaced by A.
Protein change: p.Pro51His; replaces proline 51 with histidine.
Molecular consequence: missense variant.
Genome position (GRCh38, 1-based): chr1:92,483,010, G>T on the plus strand (C>A on the coding strand, the complement: GFI1 is on the minus strand). VCF-style: chr1-92483010-G-T. GRCh37 (hg19) VCF-style: chr1-92948567-G-T.
Other names: c.152C>A, p.Pro51His (NM_001127215.3, NM_001127216.3); short protein forms P51H.
Identifiers: ClinVar variation 4858025 (VCV004858025.1).